The following is an entry in ClinVar:

NM_173660.5(DOK7):c.332-2A>G

Gene: DOK7 (docking protein 7; plus strand). Cytogenetic location: 4p16.3.
Variant type: single nucleotide variant.
Coding change: c.332-2A>G on transcript NM_173660.5 (MANE Select); the canonical splice acceptor site of the intron before coding-DNA position 332, A replaced by G.
Molecular consequence: splice acceptor variant. On other transcripts: intron variant (1).
Genome position (GRCh38, 1-based): chr4:3,476,340, A>G. VCF-style: chr4-3476340-A-G. GRCh37 (hg19) VCF-style: chr4-3478067-A-G.
Other names: c.332-2A>G (NM_001301071.2, NM_001164673.2); c.101-9199A>G (NM_001363811.2).
Identifiers: ClinVar variation 2930978 (VCV002930978.3), dbSNP rs1480670755, ClinGen allele CA356114057.

ClinVar aggregate classification (germline): Likely pathogenic (1 of 4 stars; one submission).

Conditions:
Congenital myasthenic syndrome 10. Also called: Myasthenia, limb-girdle, familial. Identifiers: Orphanet 590, MedGen C1850792, MONDO:0009690, OMIM 254300.
Fetal akinesia deformation sequence 1 (FADS1). Also called: Fetal akinesia sequence; Pena-Shokeir syndrome type I. Identifiers: Orphanet 994, MedGen C1276035, MONDO:0100101, OMIM 208150, HP:0001989.

Allele frequency attached by ClinVar (database versions not stated): gnomAD exomes below 0.00001.

Submission:

Labcorp Genetics (formerly Invitae), Labcorp
Classification: Likely pathogenic for Congenital myasthenic syndrome 10; Fetal akinesia deformation sequence 1. Last evaluated: 2023-10-23. Review status: criteria provided, single submitter. Criteria: Invitae Variant Classification Sherloc (09022015). Collection method: clinical testing. Allele origin: germline.
Comment: This sequence change affects an acceptor splice site in intron 3 of the DOK7 gene. It is expected to disrupt RNA splicing. Variants that disrupt the donor or acceptor splice site typically lead to a loss of protein function (PMID: 16199547), and loss-of-function variants in DOK7 are known to be pathogenic (PMID: 16794080, 16917026, 18626973, 19261599). This variant is not present in population databases (gnomAD no frequency). This variant has not been reported in the literature in individuals affected with DOK7-related conditions. Algorithms developed to predict the effect of sequence changes on RNA splicing suggest that this variant may disrupt the consensus splice site. In summary, the currently available evidence indicates that the variant is pathogenic, but additional data are needed to prove that conclusively. Therefore, this variant has been classified as Likely Pathogenic.

Literature cited by the submitters: PubMed 16199547; PubMed 16794080; PubMed 16917026; PubMed 18626973; PubMed 19261599.